The following is an entry in ClinVar:

NM_201384.3(PLEC):c.13168G>T (p.Val4390Leu)

Gene: PLEC (plectin; minus strand). Cytogenetic location: 8q24.3.
Variant type: single nucleotide variant.
Coding change: c.13168G>T on transcript NM_201384.3 (MANE Select); coding-DNA position 13168, G replaced by T.
Protein change: p.Val4390Leu; replaces valine 4390 with leucine.
Molecular consequence: missense variant.
Genome position (GRCh38, 1-based): chr8:143,916,653, C>A on the plus strand (G>T on the coding strand, the complement: PLEC is on the minus strand). VCF-style: chr8-143916653-C-A. GRCh37 (hg19) VCF-style: chr8-144990821-C-A.
Other names: c.13249G>T, p.Val4417Leu (NM_000445.5); c.13126G>T, p.Val4376Leu (NM_201378.4); c.13102G>T, p.Val4368Leu (NM_201379.3); c.13579G>T, p.Val4527Leu (NM_201380.4); c.13072G>T, p.Val4358Leu (NM_201381.3); c.13168G>T, p.Val4390Leu (NM_201382.4); c.13180G>T, p.Val4394Leu (NM_201383.3); short protein forms V4368L, V4376L, V4390L, V4394L, V4417L, V4527L, V4358L.
Identifiers: ClinVar variation 948748 (VCV000948748.10), dbSNP rs1554669843, ClinGen allele CA372476208.

ClinVar aggregate classification (germline): Uncertain significance (1 of 4 stars; one submission).

Conditions:
Epidermolysis bullosa simplex 5B, with muscular dystrophy (EBS5B). Also called: EPIDERMOLYSIS BULLOSA SIMPLEX AND LIMB-GIRDLE MUSCULAR DYSTROPHY; Epidermolysis bullosa simplex with muscular dystrophy. Identifiers: Orphanet 257, MedGen C2931072, MONDO:0009181, OMIM 226670.
Epidermolysis bullosa simplex with nail dystrophy (EBS5D). Identifiers: MedGen C4225309, MONDO:0014661, OMIM 616487.
Epidermolysis bullosa simplex, Ogna type (EBS5A). Also called: EPIDERMOLYSIS BULLOSA SIMPLEX 5A, OGNA TYPE; Pidermolysis bullosa simplex 5A, Ogna type. Identifiers: Orphanet 79401, MedGen C0432317, MONDO:0007555, OMIM 131950.
Autosomal recessive limb-girdle muscular dystrophy type 2Q (LGMDR17). Also called: MUSCULAR DYSTROPHY, LIMB-GIRDLE, AUTOSOMAL RECESSIVE 17. Identifiers: Orphanet 254361, MedGen C3150989, MONDO:0013390, OMIM 613723.
Epidermolysis bullosa simplex 5C, with pyloric atresia (EBS5C). Also called: Epidermolysis bullosa simplex with pyloric atresia; PLEC-Related Epidermolysis Bullosa with Pyloric Atresia; PLEC1-Related Epidermolysis Bullosa with Pyloric Atresia. Identifiers: Orphanet 158684, MedGen C2677349, MONDO:0012807, OMIM 612138.

Submission:

Labcorp Genetics (formerly Invitae), Labcorp
Classification: Uncertain significance for Autosomal recessive limb-girdle muscular dystrophy type 2Q; Epidermolysis bullosa simplex, Ogna type; Epidermolysis bullosa simplex with nail dystrophy; Epidermolysis bullosa simplex 5C, with pyloric atresia; Epidermolysis bullosa simplex 5B, with muscular dystrophy. Last evaluated: 2019-06-14. Review status: criteria provided, single submitter. Criteria: Invitae Variant Classification Sherloc (09022015). Collection method: clinical testing. Allele origin: germline.
Comment: This sequence change replaces valine with leucine at codon 4417 of the PLEC protein (p.Val4417Leu). The valine residue is highly conserved and there is a small physicochemical difference between valine and leucine. This variant is not present in population databases (ExAC no frequency). This variant has not been reported in the literature in individuals with PLEC-related conditions. Algorithms developed to predict the effect of missense changes on protein structure and function are either unavailable or do not agree on the potential impact of this missense change (SIFT: "Deleterious"; PolyPhen-2: "Benign"; Align-GVGD: "Class C0"). In summary, the available evidence is currently insufficient to determine the role of this variant in disease. Therefore, it has been classified as a Variant of Uncertain Significance.